The following is an entry in ClinVar:

ClinVar aggregate classification (germline): Pathogenic (1 of 4 stars; one submission).

Conditions:
Beta-D-mannosidosis (MANSB). Also called: Beta-Mannosidosis; MANNOSIDOSIS, BETA A, LYSOSOMAL; BETA-MANNOSIDASE DEFICIENCY; LYSOSOMAL BETA-MANNOSIDASE DEFICIENCY. Identifiers: Orphanet 118, MedGen C4048196, MONDO:0009562, OMIM 248510.

Submission:

Labcorp Genetics (formerly Invitae), Labcorp
Classification: Pathogenic for Beta-D-mannosidosis. Last evaluated: 2024-04-09. Review status: criteria provided, single submitter. Criteria: Invitae Variant Classification Sherloc (09022015). Collection method: clinical testing. Allele origin: germline.
Comment: This sequence change inserts a large fragment of DNA, likely a transposable element, in exon 5 of the MANBA gene (c.646_647ins?), causing a frameshift at codon 216 (p.Asn216fs). The exact size and sequence of the insertion cannot be determined by the current assay. However, the insertion is expected to result in an absent or disrupted protein product. This variant is not present in population databases (gnomAD no frequency). This variant has not been reported in the literature in individuals affected with MANBA-related conditions. Retrotransposon insertions including LINE1 (L1), Alu, and SVA (SINE-VNTR-Alu) have been reported to be disease-causing through disruption of either a coding region or splice site (PMID: 19763152, 20307669, 22406018) and loss-of-function variants in MANBA are known to be pathogenic (PMID: 9384606, 12468273). For these reasons, this variant has been classified as Pathogenic.

Literature cited by the submitters: PubMed 19763152; PubMed 20307669; PubMed 22406018; PubMed 9384606; PubMed 12468273.

NM_005908.4(MANBA):c.646_647insGGGAGGAGCCAAGATGGCCGAATAGGAACAGCTCCGGTCTACAGCTCCCAGCGTGAGCGACGCAGAAGACGNNNNNNNNNNAAAAAAAAAAAAAAAAAAAAAATATTTGTCACCTGA (p.Asn216delinsArgGluGluProArgTrpProAsnArgAsnSerSerGlyLeuGlnLeuProAlaTer)

Gene: MANBA (mannosidase beta; minus strand). Cytogenetic location: 4q24.
Variant type: Insertion.
Coding change: c.646_647insGGGAGGAGCCAAGATGGCCGAATAGGAACAGCTCCGGTCTACAGCTCCCAGCGTGAGCGACGCAGAAGACGNNNNNNNNNNAAAAAAAAAAAAAAAAAAAAAATATTTGTCACCTGA on transcript NM_005908.4 (MANE Select); coding-DNA positions 646 to 647, GGGAGGAGCCAAGATGGCCGAATAGGAACAGCTCCGGTCTACAGCTCCCAGCGTGAGCGACGCAGAAGACGNNNNNNNNNNAAAAAAAAAAAAAAAAAAAAAATATTTGTCACCTGA inserted.
Protein change: p.Asn216delinsArgGluGluProArgTrpProAsnArgAsnSerSerGlyLeuGlnLeuProAlaTer.
Molecular consequence: nonsense.
Genome position: GRCh38: chr4:102,714,480-102,714,481. GRCh37 (hg19): chr4:103,635,637-103,635,638.
Identifiers: ClinVar variation 3649268 (VCV003649268.2).